The following is an entry in ClinVar:

ClinVar aggregate classification (germline): Likely benign (0 of 4 stars; one submission).

Conditions:
UBTF-related disorder. Also called: UBTF-related condition.

gnomAD v4.1: 26 of 1,609,520 alleles (0.0016%); highest among the groups gnomAD compares: Admixed American, 0.005%; no homozygotes.

Submission:

PreventionGenetics, part of Exact Sciences
Classification: Likely benign for UBTF-related condition. Last evaluated: 2019-03-08. Review status: no assertion criteria provided. Collection method: clinical testing. Allele origin: germline.
Comment: This variant is classified as likely benign based on ACMG/AMP sequence variant interpretation guidelines (Richards et al. 2015 PMID: 25741868, with internal and published modifications).

NM_014233.4(UBTF):c.954C>T (p.Asp318=)

Genes: ATXN7L3-AS1 (ATXN7L3 antisense RNA 1; plus strand), UBTF (upstream binding transcription factor; minus strand). Cytogenetic location: 17q21.31.
Variant type: single nucleotide variant.
Coding change: c.954C>T on transcript NM_014233.4 (MANE Select); coding-DNA position 954, C replaced by T.
Protein change: p.Asp318=; no amino-acid change (aspartic acid 318 retained).
Molecular consequence: synonymous variant. On other transcripts: non-coding transcript variant (1).
Genome position (GRCh38, 1-based): chr17:44,211,699, G>A on the plus strand (C>T on the coding strand, the complement: UBTF is on the minus strand). VCF-style: chr17-44211699-G-A. GRCh37 (hg19) VCF-style: chr17-42289067-G-A.
Other names: c.843C>T, p.Asp281= (NM_001076683.2, NM_001076684.3).
Identifiers: ClinVar variation 3353068 (VCV003353068.1).